The following is an entry in ClinVar:

NM_001077418.3(TMEM231):c.922G>T (p.Gly308Ter)

Gene: TMEM231 (transmembrane protein 231; minus strand). Cytogenetic location: 16q23.1.
Variant type: single nucleotide variant.
Coding change: c.922G>T on transcript NM_001077418.3 (MANE Select); coding-DNA position 922, G replaced by T.
Protein change: p.Gly308Ter; replaces glycine 308 with a stop codon.
Molecular consequence: nonsense. On other transcripts: non-coding transcript variant (1).
Genome position (GRCh38, 1-based): chr16:75,540,023, C>A on the plus strand (G>T on the coding strand, the complement: TMEM231 is on the minus strand). VCF-style: chr16-75540023-C-A. GRCh37 (hg19) VCF-style: chr16-75573921-C-A.
Other names: c.1081G>T, p.Gly361Ter (NM_001077416.2); short protein forms G361*, G308*.
Identifiers: ClinVar variation 2130345 (VCV002130345.4), dbSNP rs2507318795, ClinGen allele CA396802263.
Genomic context (GRCh38, chr16:75,540,023, plus strand): 5'-CGGTCCTGCTGAGTCTTCAGAAATGGCCTTTCTAGGATAAGTGCTCCTTACACAAGTCTC[C>A]CCGGGGCGTCACTGTCACAGGAATGGTGGTCACCACCTGATTCTGAAACACGAAGATCTT-3'

ClinVar aggregate classification (germline): Uncertain significance (1 of 4 stars; one submission).

Conditions:
Joubert syndrome 20 (JBTS20). Identifiers: Orphanet 475, MedGen C3554235, MONDO:0013994, OMIM 614970.
Meckel syndrome, type 11 (MKS11). Identifiers: Orphanet 564, MedGen C3809352, MONDO:0014164, OMIM 615397.

Submission:

Labcorp Genetics (formerly Invitae), Labcorp
Classification: Uncertain significance for Joubert syndrome 20; Meckel syndrome, type 11. Last evaluated: 2022-11-08. Review status: criteria provided, single submitter. Criteria: Invitae Variant Classification Sherloc (09022015). Collection method: clinical testing. Allele origin: germline.
Comment: In summary, the available evidence is currently insufficient to determine the role of this variant in disease. Therefore, it has been classified as a Variant of Uncertain Significance. Experimental studies and prediction algorithms are not available or were not evaluated, and the functional significance of this variant is currently unknown. This variant has not been reported in the literature in individuals affected with TMEM231-related conditions. This variant is not present in population databases (gnomAD no frequency). This sequence change creates a premature translational stop signal (p.Gly361*) in the TMEM231 gene. While this is not anticipated to result in nonsense mediated decay, it is expected to disrupt the last 9 amino acid(s) of the TMEM231 protein.